The following is an entry in ClinVar:

NM_001374736.1(DST):c.2503C>T (p.Arg835Cys)

Gene: DST (dystonin; minus strand). Cytogenetic location: 6p12.1.
Variant type: single nucleotide variant.
Coding change: c.2503C>T on transcript NM_001374736.1 (MANE Select); coding-DNA position 2503, C replaced by T.
Protein change: p.Arg835Cys; replaces arginine 835 with cysteine.
Molecular consequence: missense variant.
Genome position (GRCh38, 1-based): chr6:56,640,045, G>A on the plus strand (C>T on the coding strand, the complement: DST is on the minus strand). VCF-style: chr6-56640045-G-A. GRCh37 (hg19) VCF-style: chr6-56504843-G-A.
Other names: c.2404C>T, p.Arg802Cys (NM_001144769.5); c.1990C>T, p.Arg664Cys (NM_001144770.2); c.2503C>T, p.Arg835Cys (NM_001374722.1); c.1870C>T, p.Arg624Cys (NM_001374729.1, NM_001374730.1, NM_001386100.1 and 1 more transcripts); c.2530C>T, p.Arg844Cys (NM_001374734.1); c.892C>T, p.Arg298Cys (NM_001723.7, NM_015548.5); short protein forms R298C, R802C, R624C, R664C, R835C, R844C.
Identifiers: ClinVar variation 566137 (VCV000566137.4), dbSNP rs144056466, ClinGen allele CA3871403.

ClinVar aggregate classification (germline): Uncertain significance (1 of 4 stars; one submission).

Conditions:
Epidermolysis bullosa simplex 3, localized or generalized intermediate, with BP230 deficiency (EBS3). Also called: Epidermolysis bullosa simplex due to BP230 deficiency; Epidermolysis bullosa simplex, autosomal recessive 2. Identifiers: Orphanet 412181, MedGen C3809470, MONDO:0014180, OMIM 615425.
Hereditary sensory and autonomic neuropathy type 6. Also called: HSAN VI; Neuropathy, hereditary sensory and autonomic, type VI. Identifiers: Orphanet 314381, MedGen C3539003, MONDO:0013839, OMIM 614653.

Allele frequency attached by ClinVar (database versions not stated): gnomAD exomes 0.00001 and 0.00005; ExAC 0.00004; gnomAD 0.00006; TOPMed 0.00006; ESP Exome Variant Server 0.00008.
gnomAD v4.1: 27 of 1,613,832 alleles (0.0017%); highest among the groups gnomAD compares: East Asian, 0.013%; no homozygotes.

Submission:

Labcorp Genetics (formerly Invitae), Labcorp
Classification: Uncertain significance for Epidermolysis bullosa simplex 3, localized or generalized intermediate, with BP230 deficiency; Hereditary sensory and autonomic neuropathy type 6. Last evaluated: 2022-03-25. Review status: criteria provided, single submitter. Criteria: Invitae Variant Classification Sherloc (09022015). Collection method: clinical testing. Allele origin: germline.
Comment: This sequence change replaces arginine, which is basic and polar, with cysteine, which is neutral and slightly polar, at codon 298 of the DST protein (p.Arg298Cys). This variant is present in population databases (rs144056466, gnomAD 0.06%). This variant has not been reported in the literature in individuals affected with DST-related conditions. ClinVar contains an entry for this variant (Variation ID: 566137). Algorithms developed to predict the effect of missense changes on protein structure and function (SIFT, PolyPhen-2, Align-GVGD) all suggest that this variant is likely to be disruptive. In summary, the available evidence is currently insufficient to determine the role of this variant in disease. Therefore, it has been classified as a Variant of Uncertain Significance.